The following is an entry in ClinVar:

NM_015214.3(DDHD2):c.1090C>G (p.Gln364Glu)

Gene: DDHD2 (DDHD domain containing 2; plus strand). Cytogenetic location: 8p11.23.
Variant type: single nucleotide variant.
Coding change: c.1090C>G on transcript NM_015214.3 (MANE Select); coding-DNA position 1090, C replaced by G.
Protein change: p.Gln364Glu; replaces glutamine 364 with glutamic acid.
Molecular consequence: missense variant.
Genome position (GRCh38, 1-based): chr8:38,246,265, C>G. VCF-style: chr8-38246265-C-G. GRCh37 (hg19) VCF-style: chr8-38103783-C-G.
Other names: c.1090C>G, p.Gln364Glu (NM_001164232.2, NM_001362911.2, NM_001362912.2 and 1 more transcripts); c.1000C>G, p.Gln334Glu (NM_001362913.2); short protein forms Q364E, Q334E.
Identifiers: ClinVar variation 473070 (VCV000473070.6), dbSNP rs201156715, ClinGen allele CA4716154.
Genomic context (GRCh38, chr8:38,246,265, plus strand): 5'-ATTGTCCCTTCTTCTATTTTACTTATAGGTTCGCTTATATTGTTTGATATCCTAACAAAT[C>G]AGAAAGATTCTTTGGGGGATATTGACAGTGAAAAGGTAATTTAGATGTTCAGCTAGGTTT-3'
Protein context (NP_056029.2, residues 354-374): SLILFDILTN[Gln364Glu]KDSLGDIDSE

ClinVar aggregate classification (germline): Uncertain significance. Review status: criteria provided, multiple submitters, no conflicts (2 of 4 stars). 3 submissions from 3 submitters: Uncertain significance (3). Last evaluated 2022-09-06.

Conditions:
Hereditary spastic paraplegia 54. Also called: Spastic paraplegia 54, autosomal recessive. Identifiers: Orphanet 320380, MedGen C3539495, MONDO:0014018, OMIM 615033.

Allele frequency attached by ClinVar (database versions not stated): ExAC 0.00003; TOPMed 0.00003; gnomAD 0.00005 and 0.00006; gnomAD exomes 0.00005 and 0.00010; ESP Exome Variant Server 0.00015.
gnomAD v4.1: 152 of 1,609,024 alleles (0.0094%); highest among the groups gnomAD compares: Non-Finnish European, 0.012%; no homozygotes.

Submissions (3):

Labcorp Genetics (formerly Invitae), Labcorp
Classification: Uncertain significance for Hereditary spastic paraplegia 54. Last evaluated: 2022-09-06. Review status: criteria provided, single submitter. Criteria: Invitae Variant Classification Sherloc (09022015). Collection method: clinical testing. Allele origin: germline.
Comment: This variant is present in population databases (rs201156715, gnomAD 0.009%). In summary, the available evidence is currently insufficient to determine the role of this variant in disease. Therefore, it has been classified as a Variant of Uncertain Significance. Algorithms developed to predict the effect of missense changes on protein structure and function (SIFT, PolyPhen-2, Align-GVGD) all suggest that this variant is likely to be disruptive. ClinVar contains an entry for this variant (Variation ID: 473070). This variant has not been reported in the literature in individuals affected with DDHD2-related conditions. This sequence change replaces glutamine, which is neutral and polar, with glutamic acid, which is acidic and polar, at codon 364 of the DDHD2 protein (p.Gln364Glu).

GeneDx
Classification: Uncertain significance. Last evaluated: 2021-06-24. Review status: criteria provided, single submitter. Criteria: GeneDx Variant Classification Process June 2021. Collection method: clinical testing. Allele origin: germline. Affected: yes.
Comment: Not observed at significant frequency in large population cohorts (Lek et al., 2016); In silico analysis supports that this missense variant does not alter protein structure/function; Has not been previously published as pathogenic or benign to our knowledge; This variant is associated with the following publications: (PMID: 27535533, 23176823)

Baylor Genetics
Classification: Uncertain significance for Hereditary spastic paraplegia 54. Last evaluated: 2018-02-12. Review status: criteria provided, single submitter. Criteria: ACMG Guidelines, 2015. Collection method: clinical testing. Allele origin: paternal. Affected: yes.
Comment: This variant was determined to be of uncertain significance according to ACMG Guidelines, 2015 [PMID:25741868].